The following is an entry in ClinVar:

ClinVar aggregate classification (germline): Uncertain significance (1 of 4 stars; one submission).

Conditions:
DICER1-related tumor predisposition. Also called: DICER1 syndrome; DICER1-related pleuropulmonary blastoma cancer predisposition syndrome. Identifiers: Orphanet 284343, MedGen C3839822, MONDO:0100216.

Submission:

Labcorp Genetics (formerly Invitae), Labcorp
Classification: Uncertain significance for DICER1-related tumor predisposition. Last evaluated: 2021-10-18. Review status: criteria provided, single submitter. Criteria: Invitae Variant Classification Sherloc (09022015). Collection method: clinical testing. Allele origin: germline.
Comment: This variant is not present in population databases (ExAC no frequency). This sequence change replaces threonine with asparagine at codon 578 of the DICER1 protein (p.Thr578Asn). The threonine residue is highly conserved and there is a small physicochemical difference between threonine and asparagine. This variant has not been reported in the literature in individuals affected with DICER1-related conditions. Algorithms developed to predict the effect of missense changes on protein structure and function are either unavailable or do not agree on the potential impact of this missense change (SIFT: "Tolerated"; PolyPhen-2: "Probably Damaging"; Align-GVGD: "Class C0"). In summary, the available evidence is currently insufficient to determine the role of this variant in disease. Therefore, it has been classified as a Variant of Uncertain Significance.

NM_177438.3(DICER1):c.1733C>A (p.Thr578Asn)

Gene: DICER1 (dicer 1, ribonuclease III; minus strand). Cytogenetic location: 14q32.13.
Variant type: single nucleotide variant.
Coding change: c.1733C>A on transcript NM_177438.3 (MANE Select); coding-DNA position 1733, C replaced by A.
Protein change: p.Thr578Asn; replaces threonine 578 with asparagine.
Molecular consequence: missense variant.
Genome position (GRCh38, 1-based): chr14:95,116,472, G>T on the plus strand (C>A on the coding strand, the complement: DICER1 is on the minus strand). VCF-style: chr14-95116472-G-T. GRCh37 (hg19) VCF-style: chr14-95582809-G-T.
Other names: c.1733C>A, p.Thr578Asn (NM_001195573.1, NM_001271282.3, NM_001291628.2 and 1 more transcripts); short protein forms T578N.
Identifiers: ClinVar variation 1497445 (VCV001497445.7), dbSNP rs1060503586, ClinGen allele CA390884685.